The following is an entry in ClinVar:

ClinVar aggregate classification (germline): Likely benign (1 of 4 stars; one submission).

Allele frequency attached by ClinVar (database versions not stated): TOPMed below 0.00001.

Submission:

CeGaT Center for Human Genetics Tuebingen
Classification: Likely benign. Last evaluated: 2022-05-01. Review status: criteria provided, single submitter. Criteria: CeGaT Center For Human Genetics Tuebingen Variant Classification Criteria Version 2. Collection method: clinical testing. Allele origin: germline. Affected: yes. Observed: 1 variant allele.
Comment: RELN: PM2:Supporting, BP4, BP7

NM_005045.4(RELN):c.5085T>C (p.His1695=)

Gene: RELN (reelin; minus strand). Cytogenetic location: 7q22.1.
Variant type: single nucleotide variant.
Coding change: c.5085T>C on transcript NM_005045.4 (MANE Select); coding-DNA position 5085, T replaced by C.
Protein change: p.His1695=; no amino-acid change (histidine 1695 retained).
Molecular consequence: synonymous variant.
Genome position (GRCh38, 1-based): chr7:103,565,403, A>G on the plus strand (T>C on the coding strand, the complement: RELN is on the minus strand). VCF-style: chr7-103565403-A-G. GRCh37 (hg19) VCF-style: chr7-103205850-A-G.
Other names: c.5085T>C, p.His1695= (NM_173054.3).
Identifiers: ClinVar variation 2657898 (VCV002657898.24), dbSNP rs199766147, ClinGen allele CA163913415.
Genomic context (GRCh38, chr7:103,565,403, plus strand): 5'-TGAACTTTCCGTGTAATGCAGACAGCCAATGGTTGGAGGAACACACTCTTCGGTGACAAG[A>G]TGCCAGTCCTTGCCATTGTTCAGAGAATACTGGAGCTGTACACTGTGGGAGTTGCTGAAG-3'
Protein context (NP_005036.2, residues 1685-1705): QYSLNNGKDW[His1695=]LVTEECVPPT